The following is an entry in ClinVar:

NM_000268.4(NF2):c.1738-3C>T

Gene: NF2 (NF2, moesin-ezrin-radixin like (MERLIN) tumor suppressor; plus strand). Cytogenetic location: 22q12.2.
Variant type: single nucleotide variant.
Coding change: c.1738-3C>T on transcript NM_000268.4 (MANE Select); 3 bases into the intron before coding-DNA position 1738, C replaced by T.
Molecular consequence: intron variant.
Genome position (GRCh38, 1-based): chr22:29,694,749, C>T. VCF-style: chr22-29694749-C-T. GRCh37 (hg19) VCF-style: chr22-30090738-C-T.
Other names: c.1612-3C>T (NM_001407055.1); c.*25-3C>T (NM_001407063.1, NM_181832.3, NM_001407058.1); c.*10-3C>T (NM_181830.3, NM_001407067.1, NM_001407065.1 and 5 more transcripts); c.1326-3C>T (NM_001407064.1); c.1624-3C>T (NM_001407053.1); c.1575-3C>T (NM_001407060.1); c.1603-3C>T (NM_001407057.1); c.448-3C>T (NM_181833.3); and 2 more.
Identifiers: ClinVar variation 3699695 (VCV003699695.2).

ClinVar aggregate classification (germline): Uncertain significance (1 of 4 stars; one submission).

Conditions:
Neurofibromatosis, type 2 (SWNV). Also called: BILATERAL ACOUSTIC NEUROFIBROMATOSIS; SCHWANNOMATOSIS, VESTIBULAR; NF2-Related Schwannomatosis. Identifiers: Orphanet 637, MedGen C0027832, MONDO:0007039, OMIM 101000. Disease mechanism: loss of function.

gnomAD v4.1: 1 of 1,613,776 alleles (0.000062%); highest among the groups gnomAD compares: Non-Finnish European, 0.000085%; no homozygotes.

Submission:

Labcorp Genetics (formerly Invitae), Labcorp
Classification: Uncertain significance for Neurofibromatosis, type 2. Last evaluated: 2025-02-02. Review status: criteria provided, single submitter. Criteria: Invitae Variant Classification Sherloc (09022015). Collection method: clinical testing. Allele origin: germline.
Comment: This sequence change falls in intron 15 of the NF2 gene. It does not directly change the encoded amino acid sequence of the NF2 protein. It affects a nucleotide within the consensus splice site. This variant is not present in population databases (gnomAD no frequency). This variant has not been reported in the literature in individuals affected with NF2-related conditions. Variants that disrupt the consensus splice site are a relatively common cause of aberrant splicing (PMID: 17576681, 9536098). Algorithms developed to predict the effect of sequence changes on RNA splicing suggest that this variant is not likely to affect RNA splicing. In summary, the available evidence is currently insufficient to determine the role of this variant in disease. Therefore, it has been classified as a Variant of Uncertain Significance.

Literature cited by the submitters: PubMed 17576681; PubMed 9536098.